The following is an entry in ClinVar:

ClinVar aggregate classification (germline): Uncertain significance (1 of 4 stars; one submission).

Submission:

GeneDx
Classification: Uncertain significance. Last evaluated: 2026-02-10. Review status: criteria provided, single submitter. Criteria: GeneDx Variant Classification Process June 2021. Collection method: clinical testing. Allele origin: germline.
Comment: Not observed at significant frequency in large population cohorts (gnomAD); In silico analysis supports that this missense variant has a deleterious effect on protein structure/function; Has not been previously published as pathogenic or benign to our knowledge

NM_014000.3(VCL):c.100G>T (p.Gly34Cys)

Genes: VCL (vinculin; plus strand), LOC130004109 (ATAC-STARR-seq lymphoblastoid active region 3587; plus strand). Cytogenetic location: 10q22.2.
Variant type: single nucleotide variant.
Coding change: c.100G>T on transcript NM_014000.3 (MANE Select); coding-DNA position 100, G replaced by T.
Protein change: p.Gly34Cys; replaces glycine 34 with cysteine.
Molecular consequence: missense variant.
Genome position (GRCh38, 1-based): chr10:73,998,307, G>T. VCF-style: chr10-73998307-G-T. GRCh37 (hg19) VCF-style: chr10-75758065-G-T.
Other names: c.100G>T, p.Gly34Cys (NM_003373.4); short protein forms G34C.
Identifiers: ClinVar variation 4976516 (VCV004976516.1).